The following is an entry in ClinVar:

NM_006017.3(PROM1):c.1141G>A (p.Gly381Ser)

Gene: PROM1 (prominin 1; minus strand). Cytogenetic location: 4p15.32.
Variant type: single nucleotide variant.
Coding change: c.1141G>A on transcript NM_006017.3 (MANE Select); coding-DNA position 1141, G replaced by A.
Protein change: p.Gly381Ser; replaces glycine 381 with serine.
Molecular consequence: missense variant.
Genome position (GRCh38, 1-based): chr4:16,013,275, C>T on the plus strand (G>A on the coding strand, the complement: PROM1 is on the minus strand). VCF-style: chr4-16013275-C-T. GRCh37 (hg19) VCF-style: chr4-16014898-C-T.
Other names: c.1114G>A, p.Gly372Ser (NM_001145847.2, NM_001145848.2, NM_001145851.2 and 4 more transcripts); c.1141G>A, p.Gly381Ser (NM_001145849.2, NM_001145850.2); short protein forms G381S, G372S.
Identifiers: ClinVar variation 2018686 (VCV002018686.4), dbSNP rs1280204086, ClinGen allele CA356437295.

ClinVar aggregate classification (germline): Uncertain significance (1 of 4 stars; one submission).

Allele frequency attached by ClinVar (database versions not stated): TOPMed below 0.00001.

Submission:

Labcorp Genetics (formerly Invitae), Labcorp
Classification: Uncertain significance. Last evaluated: 2024-02-24. Review status: criteria provided, single submitter. Criteria: Invitae Variant Classification Sherloc (09022015). Collection method: clinical testing. Allele origin: germline.
Comment: This sequence change replaces glycine, which is neutral and non-polar, with serine, which is neutral and polar, at codon 381 of the PROM1 protein (p.Gly381Ser). This variant also falls at the last nucleotide of exon 10, which is part of the consensus splice site for this exon. This variant is not present in population databases (gnomAD no frequency). This variant has not been reported in the literature in individuals affected with PROM1-related conditions. ClinVar contains an entry for this variant (Variation ID: 2018686). An algorithm developed to predict the effect of missense changes on protein structure and function (PolyPhen-2) suggests that this variant is likely to be tolerated. Variants that disrupt the consensus splice site are a relatively common cause of aberrant splicing (PMID: 17576681, 9536098). Algorithms developed to predict the effect of sequence changes on RNA splicing suggest that this variant may disrupt the consensus splice site. In summary, the available evidence is currently insufficient to determine the role of this variant in disease. Therefore, it has been classified as a Variant of Uncertain Significance.

Literature cited by the submitters: PubMed 17576681; PubMed 9536098.